The following is an entry in ClinVar:

NM_000419.5(ITGA2B):c.580G>A (p.Asp194Asn)

Gene: ITGA2B (integrin subunit alpha 2b; minus strand). Cytogenetic location: 17q21.31.
Variant type: single nucleotide variant.
Coding change: c.580G>A on transcript NM_000419.5 (MANE Select); coding-DNA position 580, G replaced by A.
Protein change: p.Asp194Asn; replaces aspartic acid 194 with asparagine.
Molecular consequence: missense variant.
Genome position (GRCh38, 1-based): chr17:44,385,330, C>T on the plus strand (G>A on the coding strand, the complement: ITGA2B is on the minus strand). VCF-style: chr17-44385330-C-T. GRCh37 (hg19) VCF-style: chr17-42462698-C-T.
Other names: short protein forms D194N.
Identifiers: ClinVar variation 1697247 (VCV001697247.2), dbSNP rs1477253720, ClinGen allele CA399805663.

ClinVar aggregate classification (germline): Uncertain significance (0 of 4 stars; one submission).

Conditions:
Platelet-type bleeding disorder 16 (BDPLT16). Also called: Bleeding disorder, platelet-type, 16, autosomal dominant. Identifiers: Orphanet 140957, MedGen C5442010, MONDO:0008552, OMIM 187800.

Allele frequency attached by ClinVar (database versions not stated): gnomAD exomes below 0.00001.
gnomAD v4.1: 3 of 1,611,208 alleles (0.00019%); no homozygotes.

Submission:

Unidade de Genética Molecular, Centro Hospitalar Universitário do Porto
Classification: Uncertain significance for Platelet-type bleeding disorder 16. Last evaluated: 2022-07-08. Review status: no assertion criteria provided. Collection method: research. Allele origin: germline. Inheritance: Autosomal recessive inheritance. Affected: yes. Observed: 1 homozygote.